The following is an entry in ClinVar:

NM_000038.6(APC):c.4067_4068del (p.Ser1356fs)

Gene: APC (APC regulator of Wnt signaling pathway; plus strand). Cytogenetic location: 5q22.2.
Variant type: Deletion.
Coding change: c.4067_4068del on transcript NM_000038.6 (MANE Select); coding-DNA positions 4067 to 4068, 2 bases deleted (CA; older notation c.4067_4068delCA).
Protein change: p.Ser1356fs; shifts the reading frame from serine 1356.
Molecular consequence: frameshift variant. On other transcripts: non-coding transcript variant (2).
Genome position (GRCh38, 1-based): chr5:112,839,661-112,839,662, CA deleted. VCF-style (leftmost placement, unchanged base first): chr5-112839660-TCA-T. GRCh37 (hg19) VCF-style: chr5-112175357-TCA-T.
Other names: c.4067_4068del, p.Ser1356fs (NM_001127510.3, NM_001354895.2, NM_001407450.1); c.4013_4014del, p.Ser1338fs (NM_001127511.3); c.4121_4122del, p.Ser1374fs (NM_001354896.2, NM_001407447.1, NM_001407448.1 and 1 more transcripts); c.4097_4098del, p.Ser1366fs (NM_001354897.2); c.3992_3993del, p.Ser1331fs (NM_001354898.2); c.3983_3984del, p.Ser1328fs (NM_001354899.2); c.3944_3945del, p.Ser1315fs (NM_001354900.2); c.3890_3891del, p.Ser1297fs (NM_001354901.2, NM_001407453.1); and 11 more; short protein forms S1196fs, S1227fs, S1255fs, S1346fs, S1366fs, S1230fs, S1273fs, S1315fs.
Identifiers: ClinVar variation 3410112 (VCV003410112.1).

ClinVar aggregate classification (germline): Pathogenic (1 of 4 stars; one submission).

Conditions:
Hereditary cancer-predisposing syndrome. Also called: Neoplastic Syndromes, Hereditary; Tumor predisposition; Hereditary Cancer Syndrome; Hereditary neoplastic syndrome. Identifiers: Orphanet 140162, MedGen C0027672, MeSH D009386, MONDO:0015356.

Submission:

Ambry Genetics
Classification: Pathogenic for Hereditary cancer-predisposing syndrome. Last evaluated: 2024-08-21. Review status: criteria provided, single submitter. Criteria: Ambry Variant Classification Scheme 2023. Collection method: clinical testing. Allele origin: germline.
Comment: The c.4067_4068delCA pathogenic mutation, located in coding exon 15 of the APC gene, results from a deletion of two nucleotides at nucleotide positions 4067 to 4068, causing a translational frameshift with a predicted alternate stop codon (p.S1356Wfs*18). This alteration occurs at the 3' terminus of theAPC gene, is not expected to trigger nonsense-mediated mRNA decay, and impacts the last 52.3% of the protein. However, premature stop codons are typically deleterious in nature and the impacted region is critical for protein function (Ambry internal data). This variant has been observed in at least one individual with a personal and/or family history that is consistent with APC-associated polyposis conditions (Ambry internal data). This variant is considered to be rare based on population cohorts in the Genome Aggregation Database (gnomAD). Based on the supporting evidence, this variant is interpreted as a disease-causing mutation.